The following is an entry in ClinVar:

NM_000548.5(TSC2):c.1275C>T (p.Asn425=)

Gene: TSC2 (TSC complex subunit 2; plus strand). Cytogenetic location: 16p13.3.
Variant type: single nucleotide variant.
Coding change: c.1275C>T on transcript NM_000548.5 (MANE Select); coding-DNA position 1275, C replaced by T.
Protein change: p.Asn425=; no amino-acid change (asparagine 425 retained).
Molecular consequence: synonymous variant.
Genome position (GRCh38, 1-based): chr16:2,062,514, C>T. VCF-style: chr16-2062514-C-T. GRCh37 (hg19) VCF-style: chr16-2112515-C-T.
Other names: c.1275C>T, p.Asn425= (NM_001077183.3, NM_001114382.3, NM_001363528.2 and 3 more transcripts); c.1164C>T, p.Asn388= (NM_001318827.2); c.1128C>T, p.Asn376= (NM_001318829.2); c.675C>T, p.Asn225= (NM_001318831.2); c.1308C>T, p.Asn436= (NM_001318832.2).
Identifiers: ClinVar variation 1641145 (VCV001641145.12), dbSNP rs878854076, ClinGen allele CA492962376.
Genomic context (GRCh38, chr16:2,062,514, plus strand): 5'-CGCCGGAGGGGCAGAGGGGCAACACCGGCTCTTCTTTTGACAGGAGTCCTCCCTCCTGAA[C>T]CTGATCTCCTATAGAGCGCAGTCCATCCACCCGGCCAAGGACGGCTGGATTCAGAACCTG-3'
Protein context (NP_000539.2, residues 415-435): ADQRPESSLL[Asn425=]LISYRAQSIH

ClinVar aggregate classification (germline): Conflicting classifications of pathogenicity. Review status: criteria provided, conflicting classifications (1 of 4 stars). 4 submissions from 4 submitters: Uncertain significance (2); Benign (1); Likely benign (1). Last evaluated 2025-09-20.

Conditions:
Hereditary cancer-predisposing syndrome. Also called: Tumor predisposition; Hereditary neoplastic syndrome; Neoplastic Syndromes, Hereditary; Hereditary Cancer Syndrome. Identifiers: Orphanet 140162, MedGen C0027672, MeSH D009386, MONDO:0015356.
Tuberous sclerosis 2 (TSC2). Identifiers: Orphanet 805, MedGen C1860707, MONDO:0013199, OMIM 613254.

Allele frequency attached by ClinVar (database versions not stated): gnomAD exomes below 0.00001.
gnomAD v4.1: 2 of 1,611,402 alleles (0.00012%); highest among the groups gnomAD compares: East Asian, 0.0022%; no homozygotes.

Submissions (4):

Labcorp Genetics (formerly Invitae), Labcorp
Classification: Likely benign for Tuberous sclerosis 2. Last evaluated: 2025-09-20. Review status: criteria provided, single submitter. Criteria: Invitae Variant Classification Sherloc (09022015). Collection method: clinical testing. Allele origin: germline.

Myriad Genetics, Inc.
Classification: Benign for Tuberous sclerosis 2. Last evaluated: 2025-05-13. Review status: criteria provided, single submitter. Criteria: Myriad Autosomal Dominant, Autosomal Recessive and X-Linked Classification Criteria (2023). Collection method: clinical testing. Allele origin: unknown.
Comment: This variant is considered benign. This variant is a silent/synonymous amino acid change and it is not expected to impact splicing.

GeneDx
Classification: Uncertain significance. Last evaluated: 2022-06-08. Review status: criteria provided, single submitter. Criteria: GeneDx Variant Classification Process June 2021. Collection method: clinical testing. Allele origin: germline. Affected: yes.
Comment: Has not been previously published as pathogenic or benign to our knowledge; In silico analysis, which includes splice predictors and evolutionary conservation, suggests this variant may impact gene splicing. In the absence of RNA/functional studies, the actual effect of this sequence change is unknown.

Ambry Genetics
Classification: Uncertain significance for Hereditary cancer-predisposing syndrome. Last evaluated: 2020-12-21. Review status: criteria provided, single submitter. Criteria: Ambry Variant Classification Scheme 2023. Collection method: clinical testing. Allele origin: germline.
Comment: The c.1275C>T variant (also known as p.N425N), located in coding exon 12 of the TSC2 gene, results from a C to T substitution at nucleotide position 1275. This nucleotide substitution does not change the amino acid at codon 425. This nucleotide position is well conserved in available vertebrate species. In silico splice site analysis for this alteration is inconclusive. Since supporting evidence is limited at this time, the clinical significance of this alteration remains unclear.